The following is an entry in ClinVar:

NC_000010.10:g.(?_532379)_(735518_?)dup

Gene: DIP2C (disco interacting protein 2 homolog C; minus strand). Cytogenetic location: 10p15.3.
Variant type: Duplication.
Identifiers: ClinVar variation 1411886 (VCV001411886.4).

ClinVar aggregate classification (germline): Uncertain significance (1 of 4 stars; one submission).

Submission:

Labcorp Genetics (formerly Invitae), Labcorp
Classification: Uncertain significance. Last evaluated: 2021-08-31. Review status: criteria provided, single submitter. Criteria: Invitae Variant Classification Sherloc (09022015). Collection method: clinical testing. Allele origin: germline.
Comment: In summary, the available evidence is currently insufficient to determine the role of this variant in disease. Therefore, it has been classified as a Variant of Uncertain Significance. This variant has not been reported in the literature in individuals affected with DIP2C-related conditions. This variant results in a copy number gain of the genomic region encompassing exon(s) 1-2 of the DIP2C gene. This region includes the initiator codon of the gene. This copy number gain extends beyond the assayed region for this gene and therefore may encompass additional genes. As the precise location of this event is unknown, it may be in tandem or it may be located elsewhere in the genome.